The following is an entry in ClinVar:

ClinVar aggregate classification (germline): Pathogenic/Likely pathogenic. Review status: criteria provided, multiple submitters, no conflicts (2 of 4 stars). 2 submissions from 2 submitters: Pathogenic (1); Likely pathogenic (1). Last evaluated 2024-01-18.

Conditions:
Hereditary breast ovarian cancer syndrome. Also called: Hereditary breast and ovarian cancer syndrome; BRCA1- and BRCA2-Associated Hereditary Breast and Ovarian Cancer; Hereditary breast and ovarian cancer syndrome (HBOC); Hereditary breast and/or ovarian cancer syndrome; Breast and ovarian cancer; Hereditary breast and ovarian cancer. Identifiers: Orphanet 145, MedGen C0677776, MeSH D061325, MONDO:0003582. Disease mechanism: loss of function.
Familial cancer of breast. Also called: Hereditary breast cancer; BREAST CANCER, FAMILIAL; hereditary breast carcinoma. Identifiers: Orphanet 227535, MedGen C0346153, MONDO:0016419, OMIM 114480. Disease mechanism: loss of function.

Submissions (2):

Myriad Genetics, Inc.
Classification: Likely pathogenic for Familial cancer of breast. Last evaluated: 2024-01-18. Review status: criteria provided, single submitter. Criteria: Myriad Autosomal Dominant, Autosomal Recessive and X-Linked Classification Criteria (2023). Collection method: clinical testing. Allele origin: unknown.
Comment: This variant is considered likely pathogenic. This variant occurs within a consensus splice junction and is predicted to result in abnormal mRNA splicing of either an out-of-frame exon or an in-frame exon necessary for protein stability and/or normal function.

National Health Laboratory Service, Universitas Academic Hospital and University of the Free State
Classification: Pathogenic for Hereditary breast ovarian cancer syndrome. Last evaluated: 2022-04-19. Review status: criteria provided, single submitter. Criteria: ACMG Guidelines, 2015. Collection method: clinical testing. Allele origin: germline. Affected: yes. Observed: 1 variant allele.

NM_000051.4(ATM):c.2638+2T>G

Gene: ATM (ATM serine/threonine kinase; plus strand). Cytogenetic location: 11q22.3.
Variant type: single nucleotide variant.
Coding change: c.2638+2T>G on transcript NM_000051.4 (MANE Select); the canonical splice donor site of the intron after coding-DNA position 2638, T replaced by G.
Molecular consequence: splice donor variant.
Genome position (GRCh38, 1-based): chr11:108,267,344, T>G. VCF-style: chr11-108267344-T-G. GRCh37 (hg19) VCF-style: chr11-108138071-T-G.
Other names: c.2638+2T>G (NM_001351834.2).
Identifiers: ClinVar variation 1679089 (VCV001679089.2), dbSNP rs587779826, ClinGen allele CA382544384.